The following is an entry in ClinVar:

NM_001061.7(TBXAS1):c.1109_1110del (p.Glu370fs)

Gene: TBXAS1 (thromboxane A synthase 1; plus strand). Cytogenetic location: 7q34.
Variant type: Microsatellite.
Coding change: c.1109_1110del on transcript NM_001061.7 (MANE Select); coding-DNA positions 1109 to 1110, 2 bases deleted (AG; older notation c.1109_1110delAG).
Protein change: p.Glu370fs; shifts the reading frame from glutamic acid 370.
Molecular consequence: frameshift variant.
Genome position (GRCh38, 1-based): chr7:139,962,208-139,962,209, AG deleted; deleting any 2 consecutive bases within chr7:139,962,203-139,962,209 gives the same sequence; the c. name uses the placement nearest the transcript's 3' end. VCF-style (leftmost placement, unchanged base first): chr7-139962202-TGA-T. GRCh37 (hg19) VCF-style: chr7-139662001-TGA-T.
Other names: c.926_927del, p.Glu309fs (NM_001366537.3); c.1109_1110del, p.Glu370fs (NM_030984.6, NM_001130966.5); c.1247_1248del, p.Glu416fs (NM_001166253.4); c.908_909del, p.Glu303fs (NM_001166254.4); c.1052_1053del, p.Glu351fs (NM_001314028.4); short protein forms E370fs, E303fs, E351fs, E309fs, E416fs.
Identifiers: ClinVar variation 2051451 (VCV002051451.4), dbSNP rs748473096, ClinGen allele CA4511882.

ClinVar aggregate classification (germline): Pathogenic (1 of 4 stars; one submission).

Submission:

Labcorp Genetics (formerly Invitae), Labcorp
Classification: Pathogenic. Last evaluated: 2024-10-02. Review status: criteria provided, single submitter. Criteria: Invitae Variant Classification Sherloc (09022015). Collection method: clinical testing. Allele origin: germline.
Comment: This sequence change creates a premature translational stop signal (p.Glu371Glyfs*5) in the TBXAS1 gene. It is expected to result in an absent or disrupted protein product. Loss-of-function variants in TBXAS1 are known to be pathogenic (PMID: 22735388). This variant is present in population databases (rs748473096, gnomAD 0.002%). This variant has not been reported in the literature in individuals affected with TBXAS1-related conditions. For these reasons, this variant has been classified as Pathogenic.

Literature cited by the submitters: PubMed 22735388.